The following is an entry in ClinVar:

NM_000083.3(CLCN1):c.1337C>T (p.Ser446Leu)

Gene: CLCN1 (chloride voltage-gated channel 1; plus strand). Cytogenetic location: 7q34.
Variant type: single nucleotide variant.
Coding change: c.1337C>T on transcript NM_000083.3 (MANE Select); coding-DNA position 1337, C replaced by T.
Protein change: p.Ser446Leu; replaces serine 446 with leucine.
Molecular consequence: missense variant.
Genome position (GRCh38, 1-based): chr7:143,332,809, C>T. VCF-style: chr7-143332809-C-T. GRCh37 (hg19) VCF-style: chr7-143029902-C-T.
Other names: short protein forms S446L.
Identifiers: ClinVar variation 3343708 (VCV003343708.1).

ClinVar aggregate classification (germline): Uncertain significance (1 of 4 stars; one submission).

Submission:

GeneDx
Classification: Uncertain significance. Last evaluated: 2023-05-24. Review status: criteria provided, single submitter. Criteria: GeneDx Variant Classification Process June 2021. Collection method: clinical testing. Allele origin: germline. Affected: yes.
Comment: Not observed at significant frequency in large population cohorts (gnomAD); In silico analysis supports that this missense variant does not alter protein structure/function; Has not been previously published as pathogenic or benign to our knowledge